The following is an entry in ClinVar:

NM_032119.4(ADGRV1):c.670G>A (p.Glu224Lys)

Gene: ADGRV1 (adhesion G protein-coupled receptor V1; plus strand). Cytogenetic location: 5q14.3.
Variant type: single nucleotide variant.
Coding change: c.670G>A on transcript NM_032119.4 (MANE Select); coding-DNA position 670, G replaced by A.
Protein change: p.Glu224Lys; replaces glutamic acid 224 with lysine.
Molecular consequence: missense variant. On other transcripts: non-coding transcript variant (1).
Genome position (GRCh38, 1-based): chr5:90,625,241, G>A. VCF-style: chr5-90625241-G-A. GRCh37 (hg19) VCF-style: chr5-89921058-G-A.
Other names: short protein forms E224K.
Identifiers: ClinVar variation 179569 (VCV000179569.5), dbSNP rs727504958, ClinGen allele CA184682.

ClinVar aggregate classification (germline): Uncertain significance. Review status: criteria provided, multiple submitters, no conflicts (2 of 4 stars). 2 submissions from 2 submitters: Uncertain significance (2). Last evaluated 2019-04-24.

Allele frequency attached by ClinVar (database versions not stated): gnomAD exomes below 0.00001; TOPMed below 0.00001; gnomAD 0.00001.
gnomAD v4.1: 8 of 1,599,942 alleles (0.0005%); highest among the groups gnomAD compares: Non-Finnish European, 0.0006%; no homozygotes.

Submissions (2):

Blueprint Genetics
Classification: Uncertain significance. Last evaluated: 2019-04-24. Review status: criteria provided, single submitter. Criteria: ACMG Guidelines, 2015. Collection method: clinical testing. Allele origin: germline.

Laboratory for Molecular Medicine, Mass General Brigham Personalized Medicine
Classification: Uncertain significance. Last evaluated: 2014-02-11. Review status: criteria provided, single submitter. Criteria: LMM Criteria. Collection method: clinical testing. Allele origin: germline. Observed: 1 variant allele.
Comment: The Glu224Lys variant in GPR98 has not been previously reported in individuals w ith hearing loss or in large population studies. This variant is located in the last three bases of the exon, which is part of the 3? splice region. Computation al tools do not suggest an impact to splicing. However, this information is not predictive enough to rule out pathogenicity. Computational prediction tools and conservation analyses do not provide strong support for or against an impact of the amino acid change to the protein. In summary, additional information is need ed to fully assess the clinical significance of this variant.